The following is an entry in ClinVar:

NM_080632.3(UPF3B):c.160delinsAC (p.Val54fs)

Gene: UPF3B (UPF3B regulator of nonsense mediated mRNA decay; minus strand). Cytogenetic location: Xq24.
Variant type: Indel.
Coding change: c.160delinsAC on transcript NM_080632.3 (MANE Select); coding-DNA position 160, G replaced by AC.
Protein change: p.Val54fs; shifts the reading frame from valine 54.
Molecular consequence: frameshift variant.
Genome position (GRCh38, 1-based): chrX:119,851,870, C replaced by GT on the plus strand (G replaced by AC on the coding strand, the reverse complement: UPF3B is on the minus strand). VCF-style: chrX-119851870-C-GT. GRCh37 (hg19) VCF-style: chrX-118985833-C-GT.
Other names: c.160delinsAC, p.Val54fs (NM_023010.4); short protein forms V54fs.
Identifiers: ClinVar variation 2092837 (VCV002092837.4), dbSNP rs2521577196, ClinGen allele CA2580100264.

ClinVar aggregate classification (germline): Pathogenic (1 of 4 stars; one submission).

Conditions:
Intellectual developmental disorder, X-linked, syndromic 14. Also called: Syndromic X-linked intellectual disability 14. Identifiers: Orphanet 776, MedGen C1970822, MONDO:0010398, OMIM 300676.

Submission:

Labcorp Genetics (formerly Invitae), Labcorp
Classification: Pathogenic for Intellectual developmental disorder, X-linked, syndromic 14. Last evaluated: 2022-04-22. Review status: criteria provided, single submitter. Criteria: Invitae Variant Classification Sherloc (09022015). Collection method: clinical testing. Allele origin: germline.
Comment: For these reasons, this variant has been classified as Pathogenic. This variant has not been reported in the literature in individuals affected with UPF3B-related conditions. This variant is not present in population databases (gnomAD no frequency). This sequence change creates a premature translational stop signal (p.Val54Thrfs*23) in the UPF3B gene. It is expected to result in an absent or disrupted protein product. Loss-of-function variants in UPF3B are known to be pathogenic (PMID: 17704778, 19238151).

Literature cited by the submitters: PubMed 17704778; PubMed 19238151.